The following is an entry in ClinVar:

NM_017654.4(SAMD9):c.4401A>G (p.Gln1467=)

Gene: SAMD9 (sterile alpha motif domain containing 9; minus strand). Cytogenetic location: 7q21.2.
Variant type: single nucleotide variant.
Coding change: c.4401A>G on transcript NM_017654.4 (MANE Select); coding-DNA position 4401, A replaced by G.
Protein change: p.Gln1467=; no amino-acid change (glutamine 1467 retained).
Molecular consequence: synonymous variant.
Genome position (GRCh38, 1-based): chr7:93,101,697, T>C on the plus strand (A>G on the coding strand, the complement: SAMD9 is on the minus strand). VCF-style: chr7-93101697-T-C. GRCh37 (hg19) VCF-style: chr7-92731010-T-C.
Other names: c.4401A>G, p.Gln1467= (NM_001193307.2).
Identifiers: ClinVar variation 3053018 (VCV003053018.3), dbSNP rs2535353406, ClinGen allele CA456624960.

ClinVar aggregate classification (germline): Likely benign. Review status: criteria provided, single submitter (1 of 4 stars). 2 submissions from 2 submitters: Likely benign (1). 1 of the submissions does not count toward it. Last evaluated 2025-04-25.

Conditions:
SAMD9-related disorder. Also called: SAMD9-related condition.
Inborn genetic diseases. Identifiers: MedGen C0950123, MeSH D030342.

Submissions (2):

Ambry Genetics
Classification: Likely benign for Inborn genetic diseases. Last evaluated: 2025-04-25. Review status: criteria provided, single submitter. Criteria: Ambry Variant Classification Scheme 2023. Collection method: clinical testing. Allele origin: germline.

PreventionGenetics, part of Exact Sciences
Classification: Likely benign for SAMD9-related condition. Last evaluated: 2023-07-27. Review status: no assertion criteria provided. Collection method: clinical testing. Allele origin: germline. Not counted in ClinVar's aggregate classification.
Comment: This variant is classified as likely benign based on ACMG/AMP sequence variant interpretation guidelines (Richards et al. 2015 PMID: 25741868, with internal and published modifications).